The following is an entry in ClinVar:

ClinVar aggregate classification (germline): Pathogenic. Review status: criteria provided, multiple submitters, no conflicts (2 of 4 stars). 4 submissions from 4 submitters: Pathogenic (4). Last evaluated 2025-09-16.

Conditions:
Hereditary cancer-predisposing syndrome. Also called: Neoplastic Syndromes, Hereditary; Hereditary Cancer Syndrome; Tumor predisposition; Hereditary neoplastic syndrome. Identifiers: Orphanet 140162, MedGen C0027672, MeSH D009386, MONDO:0015356.
BAP1-related tumor predisposition syndrome (TPDS1). Also called: COMMON Syndrome; TUMOR PREDISPOSITION SYNDROME 1; BAP1 tumor predisposition syndrome; Tumor susceptibility linked to germline BAP1 mutations. Identifiers: Orphanet 289539, MedGen C3280492, MONDO:0013692, OMIM 614327.

Allele frequency attached by ClinVar (database versions not stated): gnomAD exomes 0.00006 and 0.00014; gnomAD 0.00007; TOPMed 0.00010; ESP Exome Variant Server 0.00015; ExAC 0.00017; 1000 Genomes Project 0.00020; 1000 Genomes Project 30x 0.00031.
gnomAD v4.1: 99 of 1,614,102 alleles (0.0061%); highest among the groups gnomAD compares: Admixed American, 0.038%; no homozygotes.

Submissions (4):

Myriad Genetics, Inc.
Classification: Pathogenic for BAP1-related tumor predisposition syndrome. Last evaluated: 2025-09-16. Review status: criteria provided, single submitter. Criteria: Myriad Autosomal Dominant, Autosomal Recessive and X-Linked Classification Criteria (2023). Collection method: clinical testing. Allele origin: unknown.
Comment: This variant is considered pathogenic. This variant creates a termination codon and is predicted to result in premature protein truncation.

Labcorp Genetics (formerly Invitae), Labcorp
Classification: Pathogenic for BAP1-related tumor predisposition syndrome. Last evaluated: 2021-09-14. Review status: criteria provided, single submitter. Criteria: Invitae Variant Classification Sherloc (09022015). Collection method: clinical testing. Allele origin: germline.
Comment: This sequence change creates a premature translational stop signal (p.Tyr401*) in the BAP1 gene. It is expected to result in an absent or disrupted protein product. Loss-of-function variants in BAP1 are known to be pathogenic (PMID: 21874000, 23684012). This variant is present in population databases (rs200156887, ExAC 0.05%), and has an allele count higher than expected for a pathogenic variant (PMID: 28166811). This variant has not been reported in the literature in individuals affected with BAP1-related conditions. ClinVar contains an entry for this variant (Variation ID: 584647). For these reasons, this variant has been classified as Pathogenic.

Color Diagnostics, LLC DBA Color Health
Classification: Pathogenic for Hereditary cancer-predisposing syndrome. Last evaluated: 2019-12-07. Review status: criteria provided, single submitter. Criteria: ACMG Guidelines, 2015. Collection method: clinical testing. Allele origin: germline.
Comment: This variant changes 1 nucleotide in exon 12 of the BAP1 gene, creating a premature translation stop signal. This variant is expected to result in an absent or non-functional protein product. Splice site prediction tools suggest that this variant may not impact RNA splicing. To our knowledge, functional studies have not been performed for this variant. This variant has not been reported in individuals affected with hereditary cancer in the literature. This variant has not been identified in the general population by the Genome Aggregation Database (gnomAD). However, gnomAD has an entry for this variant as part of a multinucleotide variant that results in a missense mutation in contrast to this variant. Loss of BAP1 function is a known mechanism of disease. Based on the available evidence, this variant is classified as Pathogenic.

Ambry Genetics
Classification: Pathogenic for Hereditary cancer-predisposing syndrome. Last evaluated: 2019-05-29. Review status: criteria provided, single submitter. Criteria: Ambry Variant Classification Scheme 2023. Collection method: clinical testing. Allele origin: germline.
Comment: The p.Y401* pathogenic mutation (also known as c.1203T>G), located in coding exon 12 of the BAP1 gene, results from a T to G substitution at nucleotide position 1203. This changes the amino acid from a tyrosine to a stop codon within coding exon 12. This variant has been reported, as a somatic finding, in a uveal melanoma tumor specimen; germline analysis was not performed (Decatur CL et al. JAMA Ophthalmol. 2016 07;134:728-33). In addition to the clinical data presented in the literature, this alteration is expected to result in loss of function by premature protein truncation or nonsense-mediated mRNA decay. As such, this alteration is interpreted as a disease-causing mutation.

Literature cited by the submitters: PubMed 21874000 (cited by Labcorp Genetics (formerly Invitae), Labcorp); PubMed 23684012 (cited by Labcorp Genetics (formerly Invitae), Labcorp); PubMed 28166811 (cited by Labcorp Genetics (formerly Invitae), Labcorp); PubMed 27123562 (cited by Ambry Genetics); PubMed 29761599 (cited by Ambry Genetics).

NM_004656.4(BAP1):c.1203T>G (p.Tyr401Ter)

Gene: BAP1 (BRCA1 associated deubiquitinase 1; minus strand). Cytogenetic location: 3p21.1.
Variant type: single nucleotide variant.
Coding change: c.1203T>G on transcript NM_004656.4 (MANE Select); coding-DNA position 1203, T replaced by G.
Protein change: p.Tyr401Ter; replaces tyrosine 401 with a stop codon.
Molecular consequence: nonsense.
Genome position (GRCh38, 1-based): chr3:52,404,500, A>C on the plus strand (T>G on the coding strand, the complement: BAP1 is on the minus strand). VCF-style: chr3-52404500-A-C. GRCh37 (hg19) VCF-style: chr3-52438516-A-C.
Other names: short protein forms Y401*.
Identifiers: ClinVar variation 584647 (VCV000584647.14), dbSNP rs200156887, ClinGen allele CA2436877.